The following is an entry in ClinVar:

ClinVar aggregate classification (germline): Uncertain significance (1 of 4 stars; one submission).

Submission:

Labcorp Genetics (formerly Invitae), Labcorp
Classification: Uncertain significance. Last evaluated: 2023-06-10. Review status: criteria provided, single submitter. Criteria: Invitae Variant Classification Sherloc (09022015). Collection method: clinical testing. Allele origin: germline.
Comment: This sequence change replaces histidine, which is basic and polar, with asparagine, which is neutral and polar, at codon 754 of the VAC14 protein (p.His754Asn). This variant is not present in population databases (gnomAD no frequency). This variant has not been reported in the literature in individuals affected with VAC14-related conditions. Advanced modeling of protein sequence and biophysical properties (such as structural, functional, and spatial information, amino acid conservation, physicochemical variation, residue mobility, and thermodynamic stability) performed at Invitae indicates that this missense variant is not expected to disrupt VAC14 protein function. In summary, the available evidence is currently insufficient to determine the role of this variant in disease. Therefore, it has been classified as a Variant of Uncertain Significance.

NM_018052.5(VAC14):c.2260C>A (p.His754Asn)

Gene: VAC14 (VAC14 component of PIKFYVE complex; minus strand). Cytogenetic location: 16q22.1.
Variant type: single nucleotide variant.
Coding change: c.2260C>A on transcript NM_018052.5 (MANE Select); coding-DNA position 2260, C replaced by A.
Protein change: p.His754Asn; replaces histidine 754 with asparagine.
Molecular consequence: missense variant.
Genome position (GRCh38, 1-based): chr16:70,688,017, G>T on the plus strand (C>A on the coding strand, the complement: VAC14 is on the minus strand). VCF-style: chr16-70688017-G-T. GRCh37 (hg19) VCF-style: chr16-70721920-G-T.
Other names: c.1558C>A, p.His520Asn (NM_001351157.2); short protein forms H754N, H520N.
Identifiers: ClinVar variation 2865221 (VCV002865221.3), dbSNP rs2507422185, ClinGen allele CA396586504.
Genomic context (GRCh38, chr16:70,688,017, plus strand): 5'-CCCCACGCCCGCTCCGCTGGTGCCGCACTTCCAGGTGCTTGTTCTGGACCTTCTCAAAGT[G>T]CTGCAGCAGCTCTGCGTAGTCGATGCTAGGGGAGTCAGCTTTCTGGGACTTGGGGGCTGC-3'
Protein context (NP_060522.3, residues 744-764): PSIDYAELLQ[His754Asn]FEKVQNKHLE